The following is an entry in ClinVar:

NM_000548.5(TSC2):c.3883+15_3883+16del

Gene: TSC2 (TSC complex subunit 2; plus strand). Cytogenetic location: 16p13.3.
Variant type: Microsatellite.
Coding change: c.3883+15_3883+16del on transcript NM_000548.5 (MANE Select); bases 15 to 16 of the intron after coding-DNA position 3883, 2 bases deleted (AG; older notation c.3883+15_3883+16delAG).
Molecular consequence: intron variant.
Genome position (GRCh38, 1-based): chr16:2,082,519-2,082,520, AG deleted; deleting any 2 consecutive bases within chr16:2,082,517-2,082,520 gives the same sequence; the c. name uses the placement nearest the transcript's 3' end. VCF-style (leftmost placement, unchanged base first): chr16-2082516-CAG-C. GRCh37 (hg19) VCF-style: chr16-2132517-CAG-C.
Other names: c.3814+721_3814+722del (NM_001114382.3); c.3754+15_3754+16del (NM_021055.3, NM_001370405.1); c.3685+721_3685+722del (NM_001363528.2); c.3751+15_3751+16del (NM_001370404.1); c.3682+721_3682+722del (NM_001077183.3); c.3574+721_3574+722del (NM_001318827.2); c.3151+15_3151+16del (NM_001318831.2); c.3538+721_3538+722del (NM_001318829.2); and 1 more.
Identifiers: ClinVar variation 49511 (VCV000049511.11), dbSNP rs137854278, ClinGen allele CA048956.

ClinVar aggregate classification (germline): Benign/Likely benign. Review status: criteria provided, multiple submitters, no conflicts (2 of 4 stars). 5 submissions from 5 submitters: Benign (3); Likely benign (1). 1 of the submissions does not count toward it. Last evaluated 2026-02-03.

Conditions:
Hereditary cancer-predisposing syndrome. Also called: Tumor predisposition; Neoplastic Syndromes, Hereditary; Hereditary neoplastic syndrome; Hereditary Cancer Syndrome. Identifiers: Orphanet 140162, MedGen C0027672, MeSH D009386, MONDO:0015356.
Tuberous sclerosis syndrome (TSC). Also called: Tuberous Sclerosis Complex; Tuberous sclerosis. Identifiers: Orphanet 805, MedGen C0041341, MONDO:0001734.
Tuberous sclerosis 2 (TSC2). Identifiers: Orphanet 805, MedGen C1860707, MONDO:0013199, OMIM 613254.

Submissions (5):

Labcorp Genetics (formerly Invitae), Labcorp
Classification: Benign for Tuberous sclerosis 2. Last evaluated: 2026-02-03. Review status: criteria provided, single submitter. Criteria: Invitae Variant Classification Sherloc (09022015). Collection method: clinical testing. Allele origin: germline.

Blueprint Genetics
Classification: Likely benign. Last evaluated: 2024-09-16. Review status: criteria provided, single submitter. Criteria: ACMG Guidelines, 2015. Collection method: clinical testing. Allele origin: germline.

Sema4
Classification: Benign for Hereditary cancer-predisposing syndrome. Last evaluated: 2020-10-23. Review status: criteria provided, single submitter. Criteria: Sema4 Curation Guidelines. Collection method: curation. Allele origin: germline.

GeneDx
Classification: Benign. Last evaluated: 2014-01-23. Review status: criteria provided, single submitter. Criteria: GeneDx Variant Classification (06012015). Collection method: clinical testing. Allele origin: germline. Affected: yes.
Comment: The variant is found in EPILEPSY,INFANT-EPI panel(s).

Tuberous sclerosis database (TSC2)
No classification provided. Condition: TSC. Review status: no classification provided. Criteria: Tuberous Sclerosis Database Assertion Criteria 2015. Collection method: curation. Allele origin: germline. Affected: yes. Not counted in ClinVar's aggregate classification.